The following is an entry in ClinVar:

ClinVar aggregate classification (germline): Likely benign (1 of 4 stars; one submission).

Conditions:
PHIP-related disorder. Also called: PHIP-related disorders; PHIP-related condition.

gnomAD v4.1: 3 of 1,611,920 alleles (0.00019%); highest among the groups gnomAD compares: Non-Finnish European, 0.00025%; no homozygotes.

Submission:

PreventionGenetics, part of Exact Sciences
Classification: Likely benign for PHIP-related condition. Last evaluated: 2025-11-04. Review status: criteria provided, single submitter. Criteria: ACMG Guidelines, 2015. Collection method: clinical testing. Allele origin: germline.
Comment: This variant is classified as likely benign based on ACMG/AMP sequence variant interpretation guidelines (Richards et al. 2015 PMID: 25741868, with internal and published modifications).

NM_017934.7(PHIP):c.4809A>G (p.Ser1603=)

Genes: IRAK1BP1 (interleukin 1 receptor associated kinase 1 binding protein 1; plus strand), PHIP (PHIP subunit of CUL4-Ring ligase complex; minus strand). Cytogenetic location: 6q14.1.
Variant type: single nucleotide variant.
Coding change: c.4809A>G on transcript NM_017934.7 (MANE Select); coding-DNA position 4809, A replaced by G.
Protein change: p.Ser1603=; no amino-acid change (serine 1603 retained).
Molecular consequence: synonymous variant.
Genome position (GRCh38, 1-based): chr6:78,945,319, T>C on the plus strand (A>G on the coding strand, the complement: PHIP is on the minus strand). VCF-style: chr6-78945319-T-C. GRCh37 (hg19) VCF-style: chr6-79655036-T-C.
Identifiers: ClinVar variation 4981219 (VCV004981219.1).
Genomic context (GRCh38, chr6:78,945,319, plus strand): 5'-AAGGATCTACTGTATCTTGAAAGATACAAGTAATACCTTACCTTGCTCAATGACAGCTGA[T>C]GACTTTGAAAGAGTGGACGCCTTTGGGAGTACAGATGACTTCATTTTACGTTTGACTGGC-3'
Protein context (NP_060404.4, residues 1593-1613): VLPKASTLSK[Ser1603=]SAVIEQGDCK